The following is an entry in ClinVar:

NM_005051.3(QARS1):c.127A>G (p.Thr43Ala)

Gene: QARS1 (glutaminyl-tRNA synthetase 1; minus strand). Cytogenetic location: 3p21.31.
Variant type: single nucleotide variant.
Coding change: c.127A>G on transcript NM_005051.3 (MANE Select); coding-DNA position 127, A replaced by G.
Protein change: p.Thr43Ala; replaces threonine 43 with alanine.
Molecular consequence: missense variant. On other transcripts: non-coding transcript variant (1).
Genome position (GRCh38, 1-based): chr3:49,104,462, T>C on the plus strand (A>G on the coding strand, the complement: QARS1 is on the minus strand). VCF-style: chr3-49104462-T-C. GRCh37 (hg19) VCF-style: chr3-49141895-T-C.
Other names: c.127A>G, p.Thr43Ala (NM_001272073.2); short protein forms T43A.
Identifiers: ClinVar variation 3375568 (VCV003375568.1).

ClinVar aggregate classification (germline): Uncertain significance (1 of 4 stars; one submission).

Submission:

GeneDx
Classification: Uncertain significance. Last evaluated: 2024-05-09. Review status: criteria provided, single submitter. Criteria: GeneDx Variant Classification Process June 2021. Collection method: clinical testing. Allele origin: germline. Affected: yes.
Comment: Not observed at significant frequency in large population cohorts (gnomAD); In silico analysis indicates that this missense variant does not alter protein structure/function; Has not been previously published as pathogenic or benign to our knowledge; This variant is associated with the following publications: (PMID: 25471517)